The following is an entry in ClinVar:

NM_199420.4(POLQ):c.1234G>C (p.Gly412Arg)

Gene: POLQ (DNA polymerase theta; minus strand). Cytogenetic location: 3q13.33.
Variant type: single nucleotide variant.
Coding change: c.1234G>C on transcript NM_199420.4 (MANE Select); coding-DNA position 1234, G replaced by C.
Protein change: p.Gly412Arg; replaces glycine 412 with arginine.
Molecular consequence: missense variant.
Genome position (GRCh38, 1-based): chr3:121,522,024, C>G on the plus strand (G>C on the coding strand, the complement: POLQ is on the minus strand). VCF-style: chr3-121522024-C-G. GRCh37 (hg19) VCF-style: chr3-121240871-C-G.
Other names: short protein forms G412R.
Identifiers: ClinVar variation 1756492 (VCV001756492.2), dbSNP rs2546811550, ClinGen allele CA354121325.

ClinVar aggregate classification (germline): Uncertain significance (1 of 4 stars; one submission).

Submission:

Ambry Genetics
Classification: Uncertain significance. Last evaluated: 2022-02-15. Review status: criteria provided, single submitter. Criteria: Ambry Variant Classification Scheme 2023. Collection method: clinical testing. Allele origin: germline.
Comment: The p.G412R variant (also known as c.1234G>C), located in coding exon 8 of the POLQ gene, results from a G to C substitution at nucleotide position 1234. The glycine at codon 412 is replaced by arginine, an amino acid with dissimilar properties. This amino acid position is conserved. In addition, this alteration is predicted to be deleterious by in silico analysis. Since supporting evidence is limited at this time, the clinical significance of this alteration remains unclear.